The following is an entry in ClinVar:

NM_174936.4(PCSK9):c.105C>T (p.Asp35=)

Gene: PCSK9 (proprotein convertase subtilisin/kexin type 9; plus strand). Cytogenetic location: 1p32.3.
Variant type: single nucleotide variant.
Coding change: c.105C>T on transcript NM_174936.4 (MANE Select); coding-DNA position 105, C replaced by T.
Protein change: p.Asp35=; no amino-acid change (aspartic acid 35 retained).
Molecular consequence: synonymous variant.
Genome position (GRCh38, 1-based): chr1:55,039,942, C>T. VCF-style: chr1-55039942-C-T. GRCh37 (hg19) VCF-style: chr1-55505615-C-T.
Identifiers: ClinVar variation 1172035 (VCV001172035.7), dbSNP rs533474523, ClinGen allele CA034842.

ClinVar aggregate classification (germline): Likely benign. Review status: criteria provided, multiple submitters, no conflicts (2 of 4 stars). 4 submissions from 4 submitters: Likely benign (4). Last evaluated 2024-04-30.

Conditions:
Familial hypercholesterolemia. Also called: Familial hypercholesterolaemia; Familial hypercholesterolemias. Identifiers: MedGen C0020445, MONDO:0005439.
Cardiovascular phenotype. Identifiers: MedGen CN230736.
Hypercholesterolemia, autosomal dominant, 3 (FHCL3). Also called: Familial hypercholesterolemia 3; Familial Hypercholesterolemia, Autosomal Dominant, 3; PCSK9-Related Familial Hypercholesterolemia, Autosomal Dominant. Identifiers: MedGen C1863551, MONDO:0011369, OMIM 603776.

Allele frequency attached by ClinVar (database versions not stated): gnomAD 0.00001; gnomAD exomes 0.00001; ExAC 0.00007; 1000 Genomes Project 30x 0.00016; 1000 Genomes Project 0.00020.
gnomAD v4.1: 9 of 1,573,698 alleles (0.00057%); highest among the groups gnomAD compares: South Asian, 0.0093%; no homozygotes.

Submissions (4):

All of Us Research Program, National Institutes of Health
Classification: Likely benign for Hypercholesterolemia, autosomal dominant, 3. Last evaluated: 2024-04-30. Review status: criteria provided, single submitter. Criteria: ACMG Guidelines, 2015. Collection method: clinical testing. Allele origin: germline. Inheritance: Autosomal dominant inheritance. Observed: 1 variant allele, 1 heterozygote.
Comment: This study involves interpretation of variants in research participants for the purpose of population health screening. Participant phenotype was not available at the time of variant classification. Additional details can be found in publication PMID: 35346344, PMCID: PMC8962531

Ambry Genetics
Classification: Likely benign for Cardiovascular phenotype. Last evaluated: 2024-02-24. Review status: criteria provided, single submitter. Criteria: Ambry Variant Classification Scheme 2023. Collection method: clinical testing. Allele origin: germline.

Labcorp Genetics (formerly Invitae), Labcorp
Classification: Likely benign for Hypercholesterolemia, autosomal dominant, 3. Last evaluated: 2023-03-19. Review status: criteria provided, single submitter. Criteria: Invitae Variant Classification Sherloc (09022015). Collection method: clinical testing. Allele origin: germline.

Color Diagnostics, LLC DBA Color Health
Classification: Likely benign for Familial hypercholesterolemia. Last evaluated: 2020-10-26. Review status: criteria provided, single submitter. Criteria: ACMG Guidelines, 2015. Collection method: clinical testing. Allele origin: germline.